The following is an entry in ClinVar:

NM_207341.4(ZP1):c.199G>T (p.Glu67Ter)

Gene: ZP1 (zona pellucida glycoprotein 1; plus strand). Cytogenetic location: 11q12.2.
Variant type: single nucleotide variant.
Coding change: c.199G>T on transcript NM_207341.4 (MANE Select); coding-DNA position 199, G replaced by T.
Protein change: p.Glu67Ter; replaces glutamic acid 67 with a stop codon.
Molecular consequence: nonsense.
Genome position (GRCh38, 1-based): chr11:60,869,147, G>T. VCF-style: chr11-60869147-G-T. GRCh37 (hg19) VCF-style: chr11-60636620-G-T.
Other names: short protein forms E67*.
Identifiers: ClinVar variation 5007882 (VCV005007882.2).

ClinVar aggregate classification (germline): Pathogenic (1 of 4 stars; one submission).

Conditions:
Female infertility due to zona pellucida defect (OZEMA1). Also called: OOCYTE/ZYGOTE/EMBRYO MATURATION ARREST 1; Oocyte maturation defect 1. Identifiers: Orphanet 404466, MedGen C4014291, MONDO:0014342, OMIM 615774.

gnomAD v4.1: 3 of 1,614,148 alleles (0.00019%); highest among the groups gnomAD compares: East Asian, 0.0067%; no homozygotes.

Submission:

Juno Genomics, Hangzhou Juno Genomics, Inc
Classification: Pathogenic for Female infertility due to zona pellucida defect. Review status: criteria provided, single submitter. Criteria: ACMG Guidelines, 2015. Collection method: clinical testing. Allele origin: germline.
Comment: Absent from controls (or at extremely low frequency if recessive) in Genome Aggregation Database.;Null variant in a gene where loss of function (LOF) is a known mechanism of disease.;For recessive disorders, detected in trans with a pathogenic variant.